The following is an entry in ClinVar:

NM_006096.4(NDRG1):c.698+5T>G

Gene: NDRG1 (N-myc downstream regulated 1; minus strand). Cytogenetic location: 8q24.22.
Variant type: single nucleotide variant.
Coding change: c.698+5T>G on transcript NM_006096.4 (MANE Select); 5 bases into the intron after coding-DNA position 698, T replaced by G.
Molecular consequence: intron variant.
Genome position (GRCh38, 1-based): chr8:133,250,435, A>C on the plus strand (T>G on the coding strand, the complement: NDRG1 is on the minus strand). VCF-style: chr8-133250435-A-C. GRCh37 (hg19) VCF-style: chr8-134262678-A-C.
Other names: c.500+5T>G (NM_001258432.2, NM_001374847.1); c.455+5T>G (NM_001258433.2); c.749+5T>G (NM_001374844.1); c.698+5T>G (NM_001135242.2, NM_001374845.1, NM_001374846.1).
Identifiers: ClinVar variation 2049670 (VCV002049670.4), dbSNP rs1326900722, ClinGen allele CA584944393.
Genomic context (GRCh38, chr8:133,250,435, plus strand): 5'-ACATTTCGGATCTACAGAAGACACCTCATAAATAGCAATGATGTGGCTGAACTACATCCC[A>C]ATACCTGTTGTAGGCATTGATGAACAGGTGCAGGTTGCCGGGGTTCATGTCATTCACAAT-3'

ClinVar aggregate classification (germline): Uncertain significance (1 of 4 stars; one submission).

Conditions:
Charcot-Marie-Tooth disease type 4. Also called: Charcot-Marie-Tooth disease, type IV; Charcot-Marie-Tooth, Type 4. Identifiers: Orphanet 64749, MedGen C4082197, MONDO:0018995.

Allele frequency attached by ClinVar (database versions not stated): TOPMed 0.00001.
gnomAD v4.1: 1 of 1,611,306 alleles (0.000062%); highest among the groups gnomAD compares: Admixed American, 0.0017%; no homozygotes.

Submission:

Labcorp Genetics (formerly Invitae), Labcorp
Classification: Uncertain significance for Charcot-Marie-Tooth disease type 4. Last evaluated: 2025-09-02. Review status: criteria provided, single submitter. Criteria: Invitae Variant Classification Sherloc (09022015). Collection method: clinical testing. Allele origin: germline.
Comment: This sequence change falls in intron 10 of the NDRG1 gene. It does not directly change the encoded amino acid sequence of the NDRG1 protein. It affects a nucleotide within the consensus splice site. This variant is present in population databases (no rsID available, gnomAD 0.003%). This variant has not been reported in the literature in individuals affected with NDRG1-related conditions. ClinVar contains an entry for this variant (Variation ID: 2049670). Variants that disrupt the consensus splice site are a relatively common cause of aberrant splicing (PMID: 17576681, 9536098). Algorithms developed to predict the effect of sequence changes on RNA splicing suggest that this variant is not likely to affect RNA splicing. In summary, the available evidence is currently insufficient to determine the role of this variant in disease. Therefore, it has been classified as a Variant of Uncertain Significance.

Literature cited by the submitters: PubMed 17576681; PubMed 9536098.